The following is an entry in ClinVar:

NM_003590.5(CUL3):c.117_118del (p.Ala40fs)

Gene: CUL3 (cullin 3; minus strand). Cytogenetic location: 2q36.2.
Variant type: Deletion.
Coding change: c.117_118del on transcript NM_003590.5 (MANE Select); coding-DNA positions 117 to 118, 2 bases deleted (TG; older notation c.117_118delTG).
Protein change: p.Ala40fs; shifts the reading frame from alanine 40.
Molecular consequence: frameshift variant. On other transcripts: intron variant (1).
Genome position (GRCh38, 1-based): chr2:224,557,805-224,557,806, CA deleted on the plus strand (TG on the coding strand, the reverse complement: CUL3 is on the minus strand). VCF-style (leftmost placement, unchanged base first): chr2-224557804-GCA-G. GRCh37 (hg19) VCF-style: chr2-225422521-GCA-G.
Other names: c.135_136del, p.Ala46fs (NM_001257198.2); c.67-22165_67-22164del (NM_001257197.2); short protein forms A46fs, A40fs.
Identifiers: ClinVar variation 2171740 (VCV002171740.4), dbSNP rs2469185166, ClinGen allele CA2580065807.

ClinVar aggregate classification (germline): Pathogenic (1 of 4 stars; one submission).

Submission:

Labcorp Genetics (formerly Invitae), Labcorp
Classification: Pathogenic. Last evaluated: 2022-07-25. Review status: criteria provided, single submitter. Criteria: Invitae Variant Classification Sherloc (09022015). Collection method: clinical testing. Allele origin: germline.
Comment: For these reasons, this variant has been classified as Pathogenic. This variant has not been reported in the literature in individuals affected with CUL3-related conditions. This variant is not present in population databases (gnomAD no frequency). This sequence change creates a premature translational stop signal (p.Ala40Asnfs*7) in the CUL3 gene. It is expected to result in an absent or disrupted protein product. Loss-of-function variants in CUL3 are known to be pathogenic (PMID: 32341456).

Literature cited by the submitters: PubMed 32341456.